The following is an entry in ClinVar:

NM_000540.3(RYR1):c.4682T>A (p.Ile1561Asn)

Gene: RYR1 (ryanodine receptor 1; plus strand). Cytogenetic location: 19q13.2.
Variant type: single nucleotide variant.
Coding change: c.4682T>A on transcript NM_000540.3 (MANE Select); coding-DNA position 4682, T replaced by A.
Protein change: p.Ile1561Asn; replaces isoleucine 1561 with asparagine.
Molecular consequence: missense variant.
Genome position (GRCh38, 1-based): chr19:38,483,088, T>A. VCF-style: chr19-38483088-T-A. GRCh37 (hg19) VCF-style: chr19-38973728-T-A.
Other names: c.4682T>A, p.Ile1561Asn (NM_001042723.2); short protein forms I1561N.
Identifiers: ClinVar variation 373510 (VCV000373510.1), dbSNP rs1057518453, ClinGen allele CA16043095.

ClinVar aggregate classification (germline): Uncertain significance (1 of 4 stars; one submission).

Submission:

GeneDx
Classification: Uncertain significance. Last evaluated: 2016-11-25. Review status: criteria provided, single submitter. Criteria: GeneDx Variant Classification (06012015). Collection method: clinical testing. Allele origin: germline. Affected: yes.
Comment: The I1561N variant has not been published as a pathogenic variant, nor has it been reported as a benign variant to our knowledge. The I1561N variant is not observed in large population cohorts (Lek et al., 2016; 1000 Genomes Consortium et al., 2015; Exome Variant Server). This variant is a non-conservative amino acid substitution, which is likely to impact secondary protein structure as these residues differ in polarity, charge, size and/or other properties. This substitution occurs at a position where amino acids with similar properties to Isoleucine are tolerated across species. In silico analysis is inconsistent in its predictions as to whether or not the variant is damaging to the protein structure/function.